The following is an entry in ClinVar:

ClinVar aggregate classification (germline): Uncertain significance. Review status: criteria provided, multiple submitters, no conflicts (2 of 4 stars). 5 submissions from 5 submitters: Uncertain significance (4). 1 of the submissions does not count toward it. Last evaluated 2025-11-24.

Conditions:
Retinitis pigmentosa 12 (RP12). Also called: RP WITH OR WITHOUT PRESERVED PARAARTERIOLE RETINAL PIGMENT EPITHELIUM; RETINITIS PIGMENTOSA WITH OR WITHOUT PARAARTERIOLAR PRESERVATION OF RETINAL PIGMENT EPITHELIUM; RP WITH OR WITHOUT PPRPE. Identifiers: Orphanet 791, MedGen C1838647, MONDO:0010818, OMIM 600105.
Leber congenital amaurosis 8 (LCA8). Identifiers: Orphanet 65, MedGen C3151202, MONDO:0013453, OMIM 613835.
Leber congenital amaurosis (LCA). Also called: Leber's amaurosis. Identifiers: Orphanet 65, MedGen C0339527, MeSH D057130, MONDO:0018998.
CRB1-related disorder. Also called: CRB1-related disorders; CRB1-related condition.
Inborn genetic diseases. Identifiers: MedGen C0950123, MeSH D030342.

Allele frequency attached by ClinVar (database versions not stated): gnomAD 0.00003; TOPMed 0.00003; gnomAD exomes 0.00008.

Submissions (5):

PreventionGenetics, part of Exact Sciences
Classification: Uncertain significance for CRB1-related condition. Last evaluated: 2025-11-24. Review status: criteria provided, single submitter. Criteria: ACMG Guidelines, 2015. Collection method: clinical testing. Allele origin: germline.
Comment: The CRB1 c.2813A>C variant is predicted to result in the amino acid substitution p.Gln938Pro. To our knowledge, this variant has not been reported in the literature. This variant is present in 0.0065% of alleles in individuals of European (Non-Finnish) descent in gnomAD. At this time, the clinical significance of this variant is uncertain due to the absence of conclusive functional and genetic evidence.

Ambry Genetics
Classification: Uncertain significance for Inborn genetic diseases. Last evaluated: 2024-06-17. Review status: criteria provided, single submitter. Criteria: Ambry Variant Classification Scheme 2023. Collection method: clinical testing. Allele origin: germline.

Blueprint Genetics
Classification: Uncertain significance. Last evaluated: 2022-03-01. Review status: criteria provided, single submitter. Criteria: ACMG Guidelines, 2015. Collection method: clinical testing. Allele origin: germline.

Labcorp Genetics (formerly Invitae), Labcorp
Classification: Uncertain significance for Leber congenital amaurosis 8; Retinitis pigmentosa 12. Last evaluated: 2022-02-24. Review status: criteria provided, single submitter. Criteria: Invitae Variant Classification Sherloc (09022015). Collection method: clinical testing. Allele origin: germline.
Comment: This sequence change replaces glutamine, which is neutral and polar, with proline, which is neutral and non-polar, at codon 938 of the CRB1 protein (p.Gln938Pro). This variant is present in population databases (rs751018219, gnomAD 0.007%). This variant has not been reported in the literature in individuals affected with CRB1-related conditions. ClinVar contains an entry for this variant (Variation ID: 969649). Advanced modeling of protein sequence and biophysical properties (such as structural, functional, and spatial information, amino acid conservation, physicochemical variation, residue mobility, and thermodynamic stability) performed at Invitae indicates that this missense variant is not expected to disrupt CRB1 protein function. In summary, the available evidence is currently insufficient to determine the role of this variant in disease. Therefore, it has been classified as a Variant of Uncertain Significance.

Natera, Inc.
Classification: Uncertain significance for Leber congenital amaurosis. Last evaluated: 2020-03-30. Review status: no assertion criteria provided. Collection method: clinical testing. Allele origin: germline. Not counted in ClinVar's aggregate classification.

NM_201253.3(CRB1):c.2813A>C (p.Gln938Pro)

Gene: CRB1 (crumbs cell polarity complex component 1; plus strand). Cytogenetic location: 1q31.3.
Variant type: single nucleotide variant.
Coding change: c.2813A>C on transcript NM_201253.3 (MANE Select); coding-DNA position 2813, A replaced by C.
Protein change: p.Gln938Pro; replaces glutamine 938 with proline.
Molecular consequence: missense variant. On other transcripts: non-coding transcript variant (2), intron variant (1).
Genome position (GRCh38, 1-based): chr1:197,429,585, A>C. VCF-style: chr1-197429585-A-C. GRCh37 (hg19) VCF-style: chr1-197398715-A-C.
Other names: c.2477A>C, p.Gln826Pro (NM_001193640.2); c.2741A>C, p.Gln914Pro (NM_001257965.2); c.2129-6015A>C (NM_001257966.2); short protein forms Q914P, Q938P, Q826P.
Identifiers: ClinVar variation 969649 (VCV000969649.7), dbSNP rs751018219, ClinGen allele CA35902599.